The following is an entry in ClinVar:

ClinVar aggregate classification (germline): Likely benign (0 of 4 stars; one submission).

Conditions:
FRZB-related disorder. Also called: FRZB-related condition.

Allele frequency attached by ClinVar (database versions not stated): gnomAD exomes 0.00003; gnomAD 0.00004; TOPMed 0.00005; ExAC 0.00012; 1000 Genomes Project 30x 0.00016; 1000 Genomes Project 0.00020.
gnomAD v4.1: 50 of 1,612,902 alleles (0.0031%); highest among the groups gnomAD compares: East Asian, 0.071%; 1 homozygote.

Submission:

PreventionGenetics, part of Exact Sciences
Classification: Likely benign for FRZB-related condition. Last evaluated: 2019-05-23. Review status: no assertion criteria provided. Collection method: clinical testing. Allele origin: germline.
Comment: This variant is classified as likely benign based on ACMG/AMP sequence variant interpretation guidelines (Richards et al. 2015 PMID: 25741868, with internal and published modifications).

NM_001463.4(FRZB):c.753T>C (p.Asn251=)

Gene: FRZB (frizzled related protein; minus strand). Cytogenetic location: 2q32.1.
Variant type: single nucleotide variant.
Coding change: c.753T>C on transcript NM_001463.4 (MANE Select); coding-DNA position 753, T replaced by C.
Protein change: p.Asn251=; no amino-acid change (asparagine 251 retained).
Molecular consequence: synonymous variant.
Genome position (GRCh38, 1-based): chr2:182,838,453, A>G on the plus strand (T>C on the coding strand, the complement: FRZB is on the minus strand). VCF-style: chr2-182838453-A-G. GRCh37 (hg19) VCF-style: chr2-183703181-A-G.
Identifiers: ClinVar variation 3039181 (VCV003039181.2), dbSNP rs139802041, ClinGen allele CA2013941.